The following is an entry in ClinVar:

NM_003073.5(SMARCB1):c.1119-82del

Gene: SMARCB1 (SWI/SNF related BAF chromatin remodeling complex subunit B1; plus strand). Cytogenetic location: 22q11.23.
Variant type: Deletion.
Coding change: c.1119-82del on transcript NM_003073.5 (MANE Select); 82 bases into the intron before coding-DNA position 1119, one base deleted (G; older notation c.1119-82delG).
Molecular consequence: intron variant.
Genome position (GRCh38, 1-based): chr22:23,834,059, G deleted; the last of 2 consecutive G bases (chr22:23,834,058-23,834,059); deleting either gives the same sequence. VCF-style (leftmost placement, unchanged base first): chr22-23834057-TG-T. GRCh37 (hg19) VCF-style: chr22-24176244-TG-T.
Other names: c.1173-82del (NM_001362877.2); c.1146-82del (NM_001317946.2); c.1092-82del (NM_001007468.3).
Identifiers: ClinVar variation 1695037 (VCV001695037.31), dbSNP rs34107335, ClinGen allele CA322582590.

ClinVar aggregate classification (germline): Benign (1 of 4 stars; one submission).

Submission:

CeGaT Center for Human Genetics Tuebingen
Classification: Benign. Last evaluated: 2022-06-01. Review status: criteria provided, single submitter. Criteria: CeGaT Center For Human Genetics Tuebingen Variant Classification Criteria Version 2. Collection method: clinical testing. Allele origin: germline. Affected: yes. Observed: 1 variant allele.
Comment: SMARCB1: BS1, BS2